The following is an entry in ClinVar:

ClinVar aggregate classification (germline): Uncertain significance (1 of 4 stars; one submission).

Submission:

Labcorp Genetics (formerly Invitae), Labcorp
Classification: Uncertain significance. Last evaluated: 2025-01-15. Review status: criteria provided, single submitter. Criteria: Invitae Variant Classification Sherloc (09022015). Collection method: clinical testing. Allele origin: germline.
Comment: This sequence change replaces valine, which is neutral and non-polar, with glycine, which is neutral and non-polar, at codon 1545 of the SCN3A protein (p.Val1545Gly). This variant is not present in population databases (gnomAD no frequency). This variant has not been reported in the literature in individuals affected with SCN3A-related conditions. ClinVar contains an entry for this variant (Variation ID: 1022563). Invitae Evidence Modeling of protein sequence and biophysical properties (such as structural, functional, and spatial information, amino acid conservation, physicochemical variation, residue mobility, and thermodynamic stability) indicates that this missense variant is expected to disrupt SCN3A protein function with a positive predictive value of 80%. In summary, the available evidence is currently insufficient to determine the role of this variant in disease. Therefore, it has been classified as a Variant of Uncertain Significance.

NM_006922.4(SCN3A):c.4634T>G (p.Val1545Gly)

Gene: SCN3A (sodium voltage-gated channel alpha subunit 3; minus strand). Cytogenetic location: 2q24.3.
Variant type: single nucleotide variant.
Coding change: c.4634T>G on transcript NM_006922.4 (MANE Select); coding-DNA position 4634, T replaced by G.
Protein change: p.Val1545Gly; replaces valine 1545 with glycine.
Molecular consequence: missense variant.
Genome position (GRCh38, 1-based): chr2:165,092,427, A>C on the plus strand (T>G on the coding strand, the complement: SCN3A is on the minus strand). VCF-style: chr2-165092427-A-C. GRCh37 (hg19) VCF-style: chr2-165948937-A-C.
Other names: c.4487T>G, p.Val1496Gly (NM_001081676.2, NM_001081677.2); short protein forms V1496G, V1545G.
Identifiers: ClinVar variation 1022563 (VCV001022563.9), dbSNP rs1685151364, ClinGen allele CA349019171.